The following is an entry in ClinVar:

NM_000252.3(MTM1):c.606G>T (p.Leu202Phe)

Gene: MTM1 (myotubularin 1; plus strand). Cytogenetic location: Xq28.
Variant type: single nucleotide variant.
Coding change: c.606G>T on transcript NM_000252.3 (MANE Select); coding-DNA position 606, G replaced by T.
Protein change: p.Leu202Phe; replaces leucine 202 with phenylalanine.
Molecular consequence: missense variant.
Genome position (GRCh38, 1-based): chrX:150,641,346, G>T. VCF-style: chrX-150641346-G-T. GRCh37 (hg19) VCF-style: chrX-149809819-G-T.
Other names: c.606G>T, p.Leu202Phe (NM_001376906.1, NM_001376908.1); c.495G>T, p.Leu165Phe (NM_001376907.1); short protein forms L165F, L202F.
Identifiers: ClinVar variation 3666047 (VCV003666047.2).

ClinVar aggregate classification (germline): Uncertain significance (1 of 4 stars; one submission).

Conditions:
Severe X-linked myotubular myopathy (CNMX). Also called: Myotubular myopathy, X-linked; MYOTUBULAR MYOPATHY 1; X-linked centronuclear myopathy. Identifiers: Orphanet 596, MedGen C0410203, MONDO:0010683, OMIM 310400.

Submission:

Labcorp Genetics (formerly Invitae), Labcorp
Classification: Uncertain significance for Severe X-linked myotubular myopathy. Last evaluated: 2024-11-27. Review status: criteria provided, single submitter. Criteria: Invitae Variant Classification Sherloc (09022015). Collection method: clinical testing. Allele origin: germline.
Comment: This sequence change replaces leucine, which is neutral and non-polar, with phenylalanine, which is neutral and non-polar, at codon 202 of the MTM1 protein (p.Leu202Phe). This variant is not present in population databases (gnomAD no frequency). This variant has not been reported in the literature in individuals affected with MTM1-related conditions. Invitae Evidence Modeling of protein sequence and biophysical properties (such as structural, functional, and spatial information, amino acid conservation, physicochemical variation, residue mobility, and thermodynamic stability) indicates that this missense variant is expected to disrupt MTM1 protein function with a positive predictive value of 95%. In summary, the available evidence is currently insufficient to determine the role of this variant in disease. Therefore, it has been classified as a Variant of Uncertain Significance.